The following is an entry in ClinVar:

ClinVar aggregate classification (germline): Likely pathogenic (1 of 4 stars; one submission).

Submission:

Labcorp Genetics (formerly Invitae), Labcorp
Classification: Likely pathogenic. Last evaluated: 2025-07-20. Review status: criteria provided, single submitter. Criteria: Invitae Variant Classification Sherloc (09022015). Collection method: clinical testing. Allele origin: germline.
Comment: This variant results in the deletion of part of exon 5 (c.415-3_419del) of the PHYH gene. It is expected to disrupt RNA splicing. Variants that disrupt the donor or acceptor splice site typically lead to a loss of protein function (PMID: 16199547), and loss-of-function variants in PHYH are known to be pathogenic (PMID: 9326940, 14974078). This variant is present in population databases (no rsID available, gnomAD 0.02%). This variant has not been reported in the literature in individuals affected with PHYH-related conditions. ClinVar contains an entry for this variant (Variation ID: 2793186). In summary, the currently available evidence indicates that the variant is pathogenic, but additional data are needed to prove that conclusively. Therefore, this variant has been classified as Likely Pathogenic.

Literature cited by the submitters: PubMed 16199547; PubMed 9326940; PubMed 14974078.

NM_006214.4(PHYH):c.415-3_419del

Gene: PHYH (phytanoyl-CoA 2-hydroxylase; minus strand). Cytogenetic location: 10p13.
Variant type: Deletion.
Coding change: c.415-3_419del on transcript NM_006214.4 (MANE Select); 3 bases into the intron before coding-DNA position 415 through coding-DNA position 419, 8 bases deleted (TAGATTCT; older notation c.415-3_419delTAGATTCT).
Molecular consequence: splice acceptor variant. On other transcripts: intron variant (1).
Genome position (GRCh38, 1-based): chr10:13,291,908-13,291,915, AGAATCTA deleted on the plus strand (TAGATTCT on the coding strand, the reverse complement: PHYH is on the minus strand); deleting any 8 consecutive bases within chr10:13,291,908-13,291,919 gives the same sequence; the c. name uses the placement nearest the transcript's 3' end. VCF-style (leftmost placement, unchanged base first): chr10-13291907-CAGAATCTA-C. GRCh37 (hg19) VCF-style: chr10-13333907-CAGAATCTA-C.
Other names: c.414+2513_414+2520del (NM_001323083.2); c.415-3_419del (NM_001323082.2); c.115-3_119del (NM_001037537.2, NM_001323084.2, NM_001323080.2).
Identifiers: ClinVar variation 2793186 (VCV002793186.3), dbSNP rs999857292, ClinGen allele CA203281778.